The following is an entry in ClinVar:

NM_000817.3(GAD1):c.*67A>G

Gene: GAD1 (glutamate decarboxylase 1; plus strand). Cytogenetic location: 2q31.1.
Variant type: single nucleotide variant.
Coding change: c.*67A>G on transcript NM_000817.3 (MANE Select); 67 bases downstream of the stop codon, A replaced by G.
Molecular consequence: 3 prime UTR variant.
Genome position (GRCh38, 1-based): chr2:170,859,949, A>G. VCF-style: chr2-170859949-A-G. GRCh37 (hg19) VCF-style: chr2-171716459-A-G.
Identifiers: ClinVar variation 332244 (VCV000332244.8), dbSNP rs769406, ClinGen allele CA10611345.

ClinVar aggregate classification (germline): Benign. Review status: criteria provided, multiple submitters, no conflicts (2 of 4 stars). 2 submissions from 2 submitters: Benign (2). Last evaluated 2018-01-12.

Conditions:
Neurodevelopmental disorder with progressive spasticity and brain white matter abnormalities. Also called: CEREBRAL PALSY, SPASTIC QUADRIPLEGIC, 1. Identifiers: Orphanet 210141, Orphanet 641353, MedGen C5436628, MONDO:0033613, OMIM 619026.

Allele frequency attached by ClinVar (database versions not stated): gnomAD exomes 0.02308; 1000 Genomes Project 30x 0.02826; gnomAD 0.02439 and 0.02481; 1000 Genomes Project 0.02656; TOPMed 0.03168.
gnomAD v4.1: 33,400 of 1,444,098 alleles (2.3%); highest among the groups gnomAD compares: Admixed American, 14%; 978 homozygotes.

Submissions (2):

Illumina Laboratory Services, Illumina
Classification: Benign. Last evaluated: 2018-01-12. Review status: criteria provided, single submitter. Criteria: ICSL Variant Classification Criteria 13 December 2019. Collection method: clinical testing. Allele origin: germline.
Comment: This variant was observed in the ICSL laboratory as part of a predisposition screen in an ostensibly healthy population. It had not been previously curated by ICSL or reported in the Human Gene Mutation Database (HGMD: prior to June 1st, 2018), and was therefore a candidate for classification through an automated scoring system. Utilizing variant allele frequency, disease prevalence and penetrance estimates, and inheritance mode, an automated score was calculated to assess if this variant is too frequent to cause the disease. Based on the score and internal cut-off values, a variant classified as benign is not then subjected to further curation. The score for this variant resulted in a classification of benign for this disease.

Breakthrough Genomics
Classification: Benign. Review status: criteria provided, single submitter. Criteria: ACMG Guidelines, 2015. Collection method: not provided. Allele origin: germline. Inheritance: Autosomal recessive inheritance. Affected: yes.